The following is an entry in ClinVar:

NM_001372574.1(ATXN2):c.1027G>C (p.Val343Leu)

Gene: ATXN2 (ataxin 2; minus strand). Cytogenetic location: 12q24.12.
Variant type: single nucleotide variant.
Coding change: c.1027G>C on transcript NM_001372574.1 (MANE Select); coding-DNA position 1027, G replaced by C.
Protein change: p.Val343Leu; replaces valine 343 with leucine.
Molecular consequence: missense variant. On other transcripts: non-coding transcript variant (1).
Genome position (GRCh38, 1-based): chr12:111,518,387, C>G on the plus strand (G>C on the coding strand, the complement: ATXN2 is on the minus strand). VCF-style: chr12-111518387-C-G. GRCh37 (hg19) VCF-style: chr12-111956191-C-G.
Other names: c.712G>C, p.Val238Leu (NM_001310121.1); c.640G>C, p.Val214Leu (NM_001310123.1); c.1027G>C, p.Val343Leu (NM_002973.4); short protein forms V214L, V238L, V343L.
Identifiers: ClinVar variation 2643320 (VCV002643320.24), dbSNP rs771843383, ClinGen allele CA6790735.

ClinVar aggregate classification (germline): Likely benign (1 of 4 stars; one submission).

Allele frequency attached by ClinVar (database versions not stated): gnomAD 0.00001; gnomAD exomes 0.00001; ExAC 0.00002.
gnomAD v4.1: 13 of 1,612,456 alleles (0.00081%); highest among the groups gnomAD compares: Admixed American, 0.0017%; no homozygotes.

Submission:

CeGaT Center for Human Genetics Tuebingen
Classification: Likely benign. Last evaluated: 2022-05-01. Review status: criteria provided, single submitter. Criteria: CeGaT Center For Human Genetics Tuebingen Variant Classification Criteria Version 2. Collection method: clinical testing. Allele origin: germline. Affected: yes. Observed: 1 variant allele.
Comment: ATXN2: BP4